The following is an entry in ClinVar:

NM_024570.4(RNASEH2B):c.189A>G (p.Val63=)

Gene: RNASEH2B (ribonuclease H2 subunit B; plus strand). Cytogenetic location: 13q14.3.
Variant type: single nucleotide variant.
Coding change: c.189A>G on transcript NM_024570.4 (MANE Select); coding-DNA position 189, A replaced by G.
Protein change: p.Val63=; no amino-acid change (valine 63 retained).
Molecular consequence: synonymous variant.
Genome position (GRCh38, 1-based): chr13:50,929,527, A>G. VCF-style: chr13-50929527-A-G. GRCh37 (hg19) VCF-style: chr13-51503663-A-G.
Other names: p.Val63=; c.189A>G, p.Val63= (NM_001142279.2).
Identifiers: ClinVar variation 378480 (VCV000378480.17), dbSNP rs35595258, ClinGen allele CA6985482.

ClinVar aggregate classification (germline): Benign. Review status: criteria provided, multiple submitters, no conflicts (2 of 4 stars). 6 submissions from 6 submitters: Benign (6). Last evaluated 2026-03-31.

Conditions:
Aicardi-Goutieres syndrome 2. Identifiers: Orphanet 51, MedGen C3489724, MONDO:0012429, OMIM 610181.

Allele frequency attached by ClinVar (database versions not stated): gnomAD exomes 0.00100 and 0.00263; ExAC 0.00317; gnomAD 0.01016 and 0.01095; ESP Exome Variant Server 0.01130; TOPMed 0.01154; 1000 Genomes Project 0.01398; 1000 Genomes Project 30x 0.01468.
gnomAD v4.1: 3,089 of 1,613,782 alleles (0.19%); highest among the groups gnomAD compares: African/African-American, 3.4%; 56 homozygotes.

Submissions (6):

Women's Health and Genetics/Laboratory Corporation of America, LabCorp
Classification: Benign. Last evaluated: 2026-03-31. Review status: criteria provided, single submitter. Criteria: LabCorp Variant Classification Summary - May 2015. Collection method: clinical testing. Allele origin: germline.

Labcorp Genetics (formerly Invitae), Labcorp
Classification: Benign for Aicardi-Goutieres syndrome 2. Last evaluated: 2026-02-04. Review status: criteria provided, single submitter. Criteria: Invitae Variant Classification Sherloc (09022015). Collection method: clinical testing. Allele origin: germline.

Mayo Clinic Laboratories, Mayo Clinic
Classification: Benign. Last evaluated: 2025-01-07. Review status: criteria provided, single submitter. Criteria: ACMG Guidelines, 2015. Collection method: clinical testing. Allele origin: germline. Observed: 6 variant alleles.
Comment: BS1, BS2, BP4, BP7

Athena Diagnostics
Classification: Benign. Last evaluated: 2024-06-11. Review status: criteria provided, single submitter. Criteria: Athena Diagnostics Criteria. Collection method: clinical testing. Allele origin: unknown.

GeneDx
Classification: Benign. Last evaluated: 2015-12-04. Review status: criteria provided, single submitter. Criteria: GeneDx Variant Classification (06012015). Collection method: clinical testing. Allele origin: germline. Affected: yes.
Comment: This variant is considered likely benign or benign based on one or more of the following criteria: it is a conservative change, it occurs at a poorly conserved position in the protein, it is predicted to be benign by multiple in silico algorithms, and/or has population frequency not consistent with disease.

Breakthrough Genomics
Classification: Benign. Review status: criteria provided, single submitter. Criteria: ACMG Guidelines, 2015. Collection method: not provided. Allele origin: germline. Inheritance: Autosomal recessive inheritance. Affected: yes.